The following is an entry in ClinVar:

NM_001384361.1(PMEL):c.1665C>T (p.His555=)

Gene: PMEL (premelanosome protein; minus strand). Cytogenetic location: 12q13.2.
Variant type: single nucleotide variant.
Coding change: c.1665C>T on transcript NM_001384361.1 (MANE Select); coding-DNA position 1665, C replaced by T.
Protein change: p.His555=; no amino-acid change (histidine 555 retained).
Molecular consequence: synonymous variant.
Genome position (GRCh38, 1-based): chr12:55,955,561, G>A on the plus strand (C>T on the coding strand, the complement: PMEL is on the minus strand). VCF-style: chr12-55955561-G-A. GRCh37 (hg19) VCF-style: chr12-56349345-G-A.
Other names: c.1407C>T, p.His469= (NM_001200053.1); c.1665C>T, p.His555= (NM_001200054.1, NM_006928.5); c.1539C>T, p.His513= (NM_001320121.1, NM_001320122.1).
Identifiers: ClinVar variation 3356182 (VCV003356182.1).
Genomic context (GRCh38, chr12:55,955,561, plus strand): 5'-GTTGGTATCAGCCAGAGACACATTGAGGCAGTATGTCCCCGAGCCACCCTTCAGTATCTG[G>A]TGCAGAACCAGCTGGCAGGCTGGGCTGGGTAGCACAGGCTGGCACAGCCGCTGGGCAGGG-3'
Protein context (NP_001371290.1, residues 545-565): LPSPACQLVL[His555=]QILKGGSGTY

ClinVar aggregate classification (germline): Likely benign (0 of 4 stars; one submission).

Conditions:
PMEL-related disorder. Also called: PMEL-related condition.

gnomAD v4.1: 29 of 1,613,978 alleles (0.0018%); highest among the groups gnomAD compares: Non-Finnish European, 0.0022%; no homozygotes.

Submission:

PreventionGenetics, part of Exact Sciences
Classification: Likely benign for PMEL-related condition. Last evaluated: 2024-09-08. Review status: no assertion criteria provided. Collection method: clinical testing. Allele origin: germline.
Comment: This variant is classified as likely benign based on ACMG/AMP sequence variant interpretation guidelines (Richards et al. 2015 PMID: 25741868, with internal and published modifications).